The following is an entry in ClinVar:

ClinVar aggregate classification (germline): Likely pathogenic (1 of 4 stars; one submission).

Conditions:
Joubert syndrome 36 (JBTS36). Identifiers: MedGen C5231493, MONDO:0032902, OMIM 618763.

gnomAD v4.1: 26 of 1,551,456 alleles (0.0017%); highest among the groups gnomAD compares: South Asian, 0.0071%; no homozygotes.

Submission:

First Genomix Gene Laboratory, Genetic Diagnostics Department
Classification: Likely pathogenic for Joubert syndrome 36. Last evaluated: 2025-09-16. Review status: criteria provided, single submitter. Criteria: ACMG Guidelines, 2015. Collection method: clinical testing. Allele origin: germline. Inheritance: Autosomal recessive inheritance. Affected: no. Observed: 1 variant allele.

NM_173348.2(FAM149B1):c.982C>T (p.Arg328Ter)

Gene: FAM149B1 (family with sequence similarity 149 member B1; plus strand). Cytogenetic location: 10q22.2.
Variant type: single nucleotide variant.
Coding change: c.982C>T on transcript NM_173348.2 (MANE Select); coding-DNA position 982, C replaced by T.
Protein change: p.Arg328Ter; replaces arginine 328 with a stop codon.
Molecular consequence: nonsense.
Genome position (GRCh38, 1-based): chr10:73,228,143, C>T. VCF-style: chr10-73228143-C-T. GRCh37 (hg19) VCF-style: chr10-74987901-C-T.
Other names: short protein forms R328*.
Identifiers: ClinVar variation 4850334 (VCV004850334.1).